The following is an entry in ClinVar:

NM_002755.4(MAP2K1):c.553A>G (p.Lys185Glu)

Gene: MAP2K1 (mitogen-activated protein kinase kinase 1; plus strand). Cytogenetic location: 15q22.31.
Variant type: single nucleotide variant.
Coding change: c.553A>G on transcript NM_002755.4 (MANE Select); coding-DNA position 553, A replaced by G.
Protein change: p.Lys185Glu; replaces lysine 185 with glutamic acid.
Molecular consequence: missense variant.
Genome position (GRCh38, 1-based): chr15:66,444,692, A>G. VCF-style: chr15-66444692-A-G. GRCh37 (hg19) VCF-style: chr15-66737030-A-G.
Other names: c.409A>G, p.Lys137Glu (NM_001411065.1); short protein forms K185E, K137E.
Identifiers: ClinVar variation 1982497 (VCV001982497.4), dbSNP rs2545062007, ClinGen allele CA392932252.
Genomic context (GRCh38, chr15:66,444,692, plus strand): 5'-TCTTTTACATTCCCTTTCCTCTAGGTAATAAAAGGCCTGACATATCTGAGGGAGAAGCAC[A>G]AGATCATGCACAGAGGTAAGAAGTTATTTGCTAGTTATTTTGCTTTGAATTTTAGATATA-3'
Protein context (NP_002746.1, residues 175-195): KGLTYLREKH[Lys185Glu]IMHRDVKPSN

ClinVar aggregate classification (germline): Uncertain significance (1 of 4 stars; one submission).

Conditions:
RASopathy. Also called: Noonan spectrum disorder; rasopathies. Identifiers: Orphanet 536391, MedGen C5555857, MONDO:0021060.

Submission:

Labcorp Genetics (formerly Invitae), Labcorp
Classification: Uncertain significance for RASopathy. Last evaluated: 2022-07-04. Review status: criteria provided, single submitter. Criteria: Invitae Variant Classification Sherloc (09022015). Collection method: clinical testing. Allele origin: germline.
Comment: In summary, the available evidence is currently insufficient to determine the role of this variant in disease. Therefore, it has been classified as a Variant of Uncertain Significance. Advanced modeling of protein sequence and biophysical properties (such as structural, functional, and spatial information, amino acid conservation, physicochemical variation, residue mobility, and thermodynamic stability) performed at Invitae indicates that this missense variant is not expected to disrupt MAP2K1 protein function. This variant has not been reported in the literature in individuals affected with MAP2K1-related conditions. This variant is not present in population databases (gnomAD no frequency). This sequence change replaces lysine, which is basic and polar, with glutamic acid, which is acidic and polar, at codon 185 of the MAP2K1 protein (p.Lys185Glu).